The following is an entry in ClinVar:

ClinVar aggregate classification (germline): Likely benign. Review status: criteria provided, multiple submitters, no conflicts (2 of 4 stars). 3 submissions from 3 submitters: Likely benign (3). Last evaluated 2026-01-25.

Conditions:
Tuberous sclerosis 2 (TSC2). Identifiers: Orphanet 805, MedGen C1860707, MONDO:0013199, OMIM 613254.

Submissions (3):

Labcorp Genetics (formerly Invitae), Labcorp
Classification: Likely benign for Tuberous sclerosis 2. Last evaluated: 2026-01-25. Review status: criteria provided, single submitter. Criteria: Invitae Variant Classification Sherloc (09022015). Collection method: clinical testing. Allele origin: germline.

Myriad Genetics, Inc.
Classification: Likely benign for Tuberous sclerosis 2. Last evaluated: 2025-06-02. Review status: criteria provided, single submitter. Criteria: Myriad Autosomal Dominant, Autosomal Recessive and X-Linked Classification Criteria (2023). Collection method: clinical testing. Allele origin: unknown.
Comment: This variant is considered likely benign. This variant is intronic and is not expected to impact mRNA splicing.

Women's Health and Genetics/Laboratory Corporation of America, LabCorp
Classification: Likely benign. Last evaluated: 2024-04-29. Review status: criteria provided, single submitter. Criteria: LabCorp Variant Classification Summary - May 2015. Collection method: clinical testing. Allele origin: germline.
Comment: Variant summary: TSC2 c.4006-15delG alters a non-conserved nucleotide located at a position not widely known to affect splicing. Consensus agreement among computation tools predict no significant impact on normal splicing. However, these predictions have yet to be confirmed by functional studies. The variant was absent in 181530 control chromosomes. The available data on variant occurrences in the general population are insufficient to allow any conclusion about variant significance. To our knowledge, no occurrence of c.4006-15delG in individuals affected with Tuberous Sclerosis Complex and no experimental evidence demonstrating its impact on protein function have been reported. ClinVar contains an entry for this variant (Variation ID: 1563394). Based on the evidence outlined above, the variant was classified as likely benign.

NM_000548.5(TSC2):c.4006-15del

Gene: TSC2 (TSC complex subunit 2; plus strand). Cytogenetic location: 16p13.3.
Variant type: Deletion.
Coding change: c.4006-15del on transcript NM_000548.5 (MANE Select); 15 bases into the intron before coding-DNA position 4006, one base deleted (G; older notation c.4006-15delG).
Molecular consequence: intron variant.
Genome position (GRCh38, 1-based): chr16:2,084,213, G deleted; the last of 3 consecutive G bases (chr16:2,084,211-2,084,213); deleting any one gives the same sequence. VCF-style (leftmost placement, unchanged base first): chr16-2084210-TG-T. GRCh37 (hg19) VCF-style: chr16-2134211-TG-T.
Other names: c.3937-15del (NM_001114382.3); c.3877-15del (NM_021055.3, NM_001370405.1); c.3808-15del (NM_001363528.2); c.3874-15del (NM_001370404.1); c.3805-15del (NM_001077183.3); c.3697-15del (NM_001318827.2); c.3274-15del (NM_001318831.2); c.3661-15del (NM_001318829.2); and 2 more.
Identifiers: ClinVar variation 1563394 (VCV001563394.10), dbSNP rs1049832329, ClinGen allele CA276753158.
Genomic context (GRCh38, chr16:2,084,210, plus strand): 5'-TCACCACCTCCAGGTCAACCCCAGGTGGGCTCGAGGGTGCCTGCTGACAGGGGTTCTCTT[TG>T]GGATGGTCCTTTCTAGTCGTCCTCAGTCTCCAGCCAGGAGGAGAAGTCGCTCCACGCGGA-3'